The following is an entry in ClinVar:

ClinVar aggregate classification (germline): Conflicting classifications of pathogenicity. Review status: criteria provided, conflicting classifications (1 of 4 stars). 2 submissions from 2 submitters: Likely pathogenic (1); Uncertain significance (1). Last evaluated 2024-05-24.

Conditions:
Hypertrophic cardiomyopathy 7. Also called: CARDIOMYOPATHY, FAMILIAL HYPERTROPHIC, 7, MODIFIER OF; TNNI3-Related Familial Hypertrophic Cardiomyopathy; Familial hypertrophic cardiomyopathy 7. Identifiers: MedGen C1860752, MONDO:0013369, OMIM 613690.

Allele frequency attached by ClinVar (database versions not stated): gnomAD 0.00001.
gnomAD v4.1: 1 of 1,613,214 alleles (0.000062%); highest among the groups gnomAD compares: East Asian, 0.0022%; no homozygotes.

Submissions (2):

GeneDx
Classification: Uncertain significance. Last evaluated: 2024-05-24. Review status: criteria provided, single submitter. Criteria: GeneDx Variant Classification Process June 2021. Collection method: clinical testing. Allele origin: germline. Affected: yes.
Comment: Not observed at significant frequency in large population cohorts (gnomAD); In silico analysis supports that this missense variant has a deleterious effect on protein structure/function; Has not been previously published as pathogenic or benign to our knowledge

3billion
Classification: Likely pathogenic for Hypertrophic cardiomyopathy 7. Last evaluated: 2023-02-23. Review status: criteria provided, single submitter. Criteria: ACMG Guidelines, 2015. Collection method: clinical testing. Allele origin: unknown. Affected: yes.
Comment: The variant is not observed in the gnomAD v2.1.1 dataset. The variant is located in a mutational hot spot and/or well-established functional domain in which established pathogenic variants have been reported. Missense changes are a common disease-causing mechanism. In silico tool predictions suggest damaging effect of the variant on gene or gene product (REVEL: 0.90; 3Cnet: 0.99). Therefore, this variant is classified as Likely pathogenic according to the recommendation of ACMG/AMP guideline.

NM_000363.5(TNNI3):c.455A>G (p.Asp152Gly)

Gene: TNNI3 (troponin I3, cardiac type; minus strand). Cytogenetic location: 19q13.42.
Variant type: single nucleotide variant.
Coding change: c.455A>G on transcript NM_000363.5 (MANE Select); coding-DNA position 455, A replaced by G.
Protein change: p.Asp152Gly; replaces aspartic acid 152 with glycine.
Molecular consequence: missense variant.
Genome position (GRCh38, 1-based): chr19:55,154,124, T>C on the plus strand (A>G on the coding strand, the complement: TNNI3 is on the minus strand). VCF-style: chr19-55154124-T-C. GRCh37 (hg19) VCF-style: chr19-55665492-T-C.
Other names: short protein forms D152G.
Identifiers: ClinVar variation 2444295 (VCV002444295.2), dbSNP rs2085712121, ClinGen allele CA407440460.